The following is an entry in ClinVar:

NM_002890.3(RASA1):c.299_325del (p.Ala100_Ala108del)

Gene: RASA1 (RAS p21 protein activator 1; plus strand). Cytogenetic location: 5q14.3.
Variant type: Deletion.
Coding change: c.299_325del on transcript NM_002890.3 (MANE Select); coding-DNA positions 299 to 325, 27 bases deleted (CTGGCGTGGCCGGTGCTGCTGTTGCTG).
Protein change: p.Ala100_Ala108del.
Molecular consequence: inframe deletion.
Genome position (GRCh38, 1-based): chr5:87,268,750-87,268,776, CTGGCGTGGCCGGTGCTGCTGTTGCTG deleted; deleting any 27 consecutive bases within chr5:87,268,745-87,268,776 gives the same sequence; the c. name uses the placement nearest the transcript's 3' end. VCF-style (leftmost placement, unchanged base first): chr5-87268744-CTGCTGCTGGCGTGGCCGGTGCTGCTGT-C. GRCh37 (hg19) VCF-style: chr5-86564561-CTGCTGCTGGCGTGGCCGGTGCTGCTGT-C.
Identifiers: ClinVar variation 2969626 (VCV002969626.3), dbSNP rs760286574, ClinGen allele CA3335389.

ClinVar aggregate classification (germline): Uncertain significance (1 of 4 stars; one submission).

Conditions:
Capillary malformation-arteriovenous malformation syndrome. Also called: Capillary malformation-arteriovenous malformation. Identifiers: Orphanet 137667, MedGen C1842180, MONDO:0012016.

Submission:

Labcorp Genetics (formerly Invitae), Labcorp
Classification: Uncertain significance for Capillary malformation-arteriovenous malformation syndrome. Last evaluated: 2023-01-25. Review status: criteria provided, single submitter. Criteria: Invitae Variant Classification Sherloc (09022015). Collection method: clinical testing. Allele origin: germline.
Comment: This variant, c.299_325del, results in the deletion of 9 amino acid(s) of the RASA1 protein (p.Ala100_Ala108del), but otherwise preserves the integrity of the reading frame. In summary, the available evidence is currently insufficient to determine the role of this variant in disease. Therefore, it has been classified as a Variant of Uncertain Significance. Experimental studies and prediction algorithms are not available or were not evaluated, and the functional significance of this variant is currently unknown. This variant has not been reported in the literature in individuals affected with RASA1-related conditions. This variant is present in population databases (rs760286574, gnomAD 0.003%).